The following is an entry in ClinVar:

ClinVar aggregate classification (germline): Uncertain significance (1 of 4 stars; one submission).

Allele frequency attached by ClinVar (database versions not stated): gnomAD exomes 0.00001; ExAC 0.00002; gnomAD 0.00004; TOPMed 0.00006.
gnomAD v4.1: 26 of 1,613,544 alleles (0.0016%); highest among the groups gnomAD compares: African/African-American, 0.011%; no homozygotes.

Submission:

Labcorp Genetics (formerly Invitae), Labcorp
Classification: Uncertain significance. Last evaluated: 2025-03-31. Review status: criteria provided, single submitter. Criteria: Invitae Variant Classification Sherloc (09022015). Collection method: clinical testing. Allele origin: germline.
Comment: This sequence change replaces glycine, which is neutral and non-polar, with serine, which is neutral and polar, at codon 364 of the GPAA1 protein (p.Gly364Ser). This variant is present in population databases (rs782007586, gnomAD 0.008%). This variant has not been reported in the literature in individuals affected with GPAA1-related conditions. ClinVar contains an entry for this variant (Variation ID: 1471926). Invitae Evidence Modeling of protein sequence and biophysical properties (such as structural, functional, and spatial information, amino acid conservation, physicochemical variation, residue mobility, and thermodynamic stability) indicates that this missense variant is not expected to disrupt GPAA1 protein function with a negative predictive value of 80%. Algorithms developed to predict the effect of sequence changes on RNA splicing suggest that this variant may create or strengthen a splice site. In summary, the available evidence is currently insufficient to determine the role of this variant in disease. Therefore, it has been classified as a Variant of Uncertain Significance.

NM_003801.4(GPAA1):c.1090G>A (p.Gly364Ser)

Gene: GPAA1 (glycosylphosphatidylinositol anchor attachment 1; plus strand). Cytogenetic location: 8q24.3.
Variant type: single nucleotide variant.
Coding change: c.1090G>A on transcript NM_003801.4 (MANE Select); coding-DNA position 1090, G replaced by A.
Protein change: p.Gly364Ser; replaces glycine 364 with serine.
Molecular consequence: missense variant.
Genome position (GRCh38, 1-based): chr8:144,084,801, G>A. VCF-style: chr8-144084801-G-A. GRCh37 (hg19) VCF-style: chr8-145139704-G-A.
Other names: short protein forms G364S.
Identifiers: ClinVar variation 1471926 (VCV001471926.6), dbSNP rs782007586, ClinGen allele CA4933040.